The following is an entry in ClinVar:

ClinVar aggregate classification (germline): Likely pathogenic (1 of 4 stars; one submission).

Conditions:
El Hayek-Chahrour neurodevelopmental disorder. Also called: EL HAYEK-CHAHROUR NEURODEVELOPMENTAL SYNDROME; NEURODEVELOPMENTAL DISORDER WITH ABSENT SPEECH, IMPAIRED INTELLECTUAL DEVELOPMENT, AND AUTISM. Identifiers: MedGen C5935620, MONDO:0970951, OMIM 620820.

Submission:

Variantyx, Inc.
Classification: Likely pathogenic for El Hayek-Chahrour neurodevelopmental disorder. Last evaluated: 2025-04-22. Review status: criteria provided, single submitter. Criteria: Variantyx Assertion Criteria 2022. Collection method: clinical testing. Allele origin: germline. Inheritance: Autosomal recessive inheritance. Affected: no.
Comment: This is a frameshift variant in the KDM5A gene (OMIM: 180202). Pathogenic variants in this gene have been associated with autosomal recessive El Hayek-Chahrour neurodevelopmental syndrome. This variant introduces a premature termination codon in exon 2 out of 28 and is expected to result in loss of function, which is a known disease mechanism for KDM5A in this disorder (PMID: 33350388) (PVS1). This variant is absent from control populations (PM2) and it has not been reported in individuals with KDM5A-related disorders in the databases available for review. Based on the current evidence, this variant is classified as likely pathogenic for autosomal recessive El Hayek-Chahrour neurodevelopmental syndrome.

Literature cited by the submitters: PubMed 3350388.

NM_001042603.3(KDM5A):c.166-6_169del

Gene: KDM5A (lysine demethylase 5A; minus strand). Cytogenetic location: 12p13.33.
Variant type: Deletion.
Coding change: c.166-6_169del on transcript NM_001042603.3 (MANE Select); 6 bases into the intron before coding-DNA position 166 through coding-DNA position 169, 10 bases deleted (ATTTAGGACT; older notation c.166-6_169delATTTAGGACT).
Molecular consequence: splice acceptor variant.
Genome position (GRCh38, 1-based): chr12:385,971-385,980, AGTCCTAAAT deleted on the plus strand (ATTTAGGACT on the coding strand, the reverse complement: KDM5A is on the minus strand); deleting any 10 consecutive bases within chr12:385,971-385,982 gives the same sequence; the c. name uses the placement nearest the transcript's 3' end. VCF-style (leftmost placement, unchanged base first): chr12-385970-CAGTCCTAAAT-C. GRCh37 (hg19) VCF-style: chr12-495136-CAGTCCTAAAT-C.
Other names: c.166-6_169delATTTAGGACT (NM_001042603.3).
Identifiers: ClinVar variation 4850161 (VCV004850161.1).